The following is an entry in ClinVar:

NM_000277.3(PAH):c.694_696delinsTAA (p.Gln232Ter)

Gene: PAH (phenylalanine hydroxylase; minus strand). Cytogenetic location: 12q23.2.
Variant type: Indel.
Coding change: c.694_696delinsTAA on transcript NM_000277.3 (MANE Select); coding-DNA positions 694 to 696, CAG replaced by TAA.
Protein change: p.Gln232Ter; replaces glutamine 232 with a stop codon.
Molecular consequence: nonsense.
Genome position (GRCh38, 1-based): chr12:102,855,146-102,855,148, CTG replaced by TTA on the plus strand (CAG replaced by TAA on the coding strand, the reverse complement: PAH is on the minus strand). VCF-style: chr12-102855146-CTG-TTA. GRCh37 (hg19) VCF-style: chr12-103248924-CTG-TTA.
Other names: c.694_696delinsTAA, p.Gln232Ter (NM_001354304.2); c.694_696delCAGinsTAA (NM_000277.2); short protein forms Q232*.
Identifiers: ClinVar variation 3382131 (VCV003382131.3).

ClinVar aggregate classification (germline): Pathogenic. Review status: criteria provided, multiple submitters, no conflicts (2 of 4 stars). 2 submissions from 2 submitters: Pathogenic (2). Last evaluated 2024-12-04.

Conditions:
Phenylketonuria (PKU). Also called: FOLLING DISEASE; OLIGOPHRENIA PHENYLPYRUVICA; Phenylketonurias; Phenylketonuria (PKU). Identifiers: Orphanet 716, MedGen C0031485, MONDO:0009861, OMIM 261600. Disease mechanism: loss of function.

Submissions (2):

Natera, Inc.
Classification: Pathogenic for Phenylketonuria. Last evaluated: 2024-12-04. Review status: criteria provided, single submitter. Criteria: Natera Variant Classification Schema (03/2026). Collection method: clinical testing. Allele origin: germline.
Comment: The c.694_696delCAGinsTAA variant in PAH is a deletion-insertion (delins) variant predicted to replace one or more nucleotides with a different sequence. This variant is expected to result in nonsense mediated decay, truncation, or a dysfunctional protein product. This variant is rare in the general population with a frequency below the threshold expected for the associated phenotype(s). This variant has been observed in one or more individuals affected with the associated recessive disease, as either homozygous or compound heterozygous with a second variant (PMID: 23932990). Given the available evidence, this variant is classified as Pathogenic.

Juno Genomics, Hangzhou Juno Genomics, Inc
Classification: Pathogenic for Phenylketonuria. Review status: criteria provided, single submitter. Criteria: ACMG Guidelines, 2015. Collection method: clinical testing. Allele origin: germline. Affected: yes.
Comment: Absent from controls (or at extremely low frequency if recessive) in Genome Aggregation Database, Exome Sequencing Project, 1000 Genomes Project, or Exome Aggregation Consortium.;Null variant in a gene where loss of function (LOF) is a known mechanism of disease.;For recessive disorders, detected in trans with a pathogenic variant.;Patient's phenotype or family history is highly specific for a disease with a single genetic etiology.

Literature cited by the submitters: PubMed 23932990 (cited by Natera, Inc.).